The following is an entry in ClinVar:

ClinVar aggregate classification (germline): Uncertain significance. Review status: criteria provided, multiple submitters, no conflicts (2 of 4 stars). 3 submissions from 3 submitters: Uncertain significance (3). Last evaluated 2026-07-09.

Conditions:
ASXL3-related disorder. Also called: ASXL3-related condition. Identifiers: MedGen CN381524.
Inborn genetic diseases. Identifiers: MedGen C0950123, MeSH D030342.
Intellectual disability. Also called: Intellectual developmental disorder; Intellectual functioning disability; intellectual disabilities. Identifiers: MedGen C3714756, MeSH D008607, MONDO:0001071, HP:0001249.

Allele frequency attached by ClinVar (database versions not stated): gnomAD 0.00001; TOPMed 0.00004.
gnomAD v4.1: 4 of 1,613,718 alleles (0.00025%); highest among the groups gnomAD compares: Non-Finnish European, 0.000085%; no homozygotes.

Submissions (3):

PreventionGenetics, part of Exact Sciences
Classification: Uncertain significance for ASXL3-related condition. Last evaluated: 2026-07-09. Review status: criteria provided, single submitter. Criteria: ACMG Guidelines, 2015. Collection method: clinical testing. Allele origin: germline.
Comment: The ASXL3 c.6281G>A variant is predicted to result in the amino acid substitution p.Cys2094Tyr. To our knowledge, this variant has not been reported in the literature or in a large population database (gnomAD), indicating this variant is rare. At this time, the clinical significance of this variant is uncertain due to the absence of conclusive functional and genetic evidence.

Ambry Genetics
Classification: Uncertain significance for Inborn genetic diseases. Last evaluated: 2023-11-06. Review status: criteria provided, single submitter. Criteria: Ambry Variant Classification Scheme 2023. Collection method: clinical testing. Allele origin: germline.

Diagnostic Laboratory, Strasbourg University Hospital
Classification: Uncertain significance for Intellectual disability. Last evaluated: 2020-09-10. Review status: criteria provided, single submitter. Criteria: ACMG Guidelines, 2015. Collection method: clinical testing. Allele origin: maternal. Affected: yes. Observed: 1 heterozygote.

NM_030632.3(ASXL3):c.6281G>A (p.Cys2094Tyr)

Gene: ASXL3 (ASXL transcriptional regulator 3; plus strand). Cytogenetic location: 18q12.1.
Variant type: single nucleotide variant.
Coding change: c.6281G>A on transcript NM_030632.3 (MANE Select); coding-DNA position 6281, G replaced by A.
Protein change: p.Cys2094Tyr; replaces cysteine 2094 with tyrosine.
Molecular consequence: missense variant.
Genome position (GRCh38, 1-based): chr18:33,746,129, G>A. VCF-style: chr18-33746129-G-A. GRCh37 (hg19) VCF-style: chr18-31326093-G-A.
Other names: c.6281G>A (NM_030632.1); short protein forms C2094Y.
Identifiers: ClinVar variation 981275 (VCV000981275.3), dbSNP rs1172659745, ClinGen allele CA402196519.